The following is an entry in ClinVar:

NM_006904.7(PRKDC):c.8457G>C (p.Glu2819Asp)

Gene: PRKDC (protein kinase, DNA-activated, catalytic subunit; minus strand). Cytogenetic location: 8q11.21.
Variant type: single nucleotide variant.
Coding change: c.8457G>C on transcript NM_006904.7 (MANE Select); coding-DNA position 8457, G replaced by C.
Protein change: p.Glu2819Asp; replaces glutamic acid 2819 with aspartic acid.
Molecular consequence: missense variant.
Genome position (GRCh38, 1-based): chr8:47,828,288, C>G on the plus strand (G>C on the coding strand, the complement: PRKDC is on the minus strand). VCF-style: chr8-47828288-C-G. GRCh37 (hg19) VCF-style: chr8-48740849-C-G.
Other names: c.8457G>C, p.Glu2819Asp (NM_001081640.2); short protein forms E2819D.
Identifiers: ClinVar variation 1034476 (VCV001034476.2), dbSNP rs1326428388, ClinGen allele CA371144555.

ClinVar aggregate classification (germline): Uncertain significance (1 of 4 stars; one submission).

Conditions:
Severe combined immunodeficiency due to DNA-PKcs deficiency. Also called: IMMUNODEFICIENCY 26 WITH NEUROLOGIC ABNORMALITIES; Immunodeficiency 26 with or without neurologic abnormalities. Identifiers: Orphanet 317425, MedGen C4014833, MONDO:0014423, OMIM 615966.

Allele frequency attached by ClinVar (database versions not stated): gnomAD exomes below 0.00001; gnomAD 0.00001.
gnomAD v4.1: 4 of 1,605,894 alleles (0.00025%); highest among the groups gnomAD compares: Non-Finnish European, 0.000085%; no homozygotes.

Submission:

Labcorp Genetics (formerly Invitae), Labcorp
Classification: Uncertain significance for Severe combined immunodeficiency due to DNA-PKcs deficiency. Last evaluated: 2022-07-19. Review status: criteria provided, single submitter. Criteria: Invitae Variant Classification Sherloc (09022015). Collection method: clinical testing. Allele origin: germline.
Comment: This sequence change replaces glutamic acid, which is acidic and polar, with aspartic acid, which is acidic and polar, at codon 2819 of the PRKDC protein (p.Glu2819Asp). The frequency data for this variant in the population databases is considered unreliable, as metrics indicate poor data quality at this position in the gnomAD database. This variant has not been reported in the literature in individuals affected with PRKDC-related conditions. ClinVar contains an entry for this variant (Variation ID: 1034476). Experimental studies and prediction algorithms are not available or were not evaluated, and the functional significance of this variant is currently unknown. In summary, the available evidence is currently insufficient to determine the role of this variant in disease. Therefore, it has been classified as a Variant of Uncertain Significance.